The following is an entry in ClinVar:

ClinVar aggregate classification (germline): Uncertain significance (1 of 4 stars; one submission).

gnomAD v4.1: 1 of 1,240,488 alleles (0.000081%); highest among the groups gnomAD compares: Admixed American, 0.0041%; no homozygotes.

Submission:

Labcorp Genetics (formerly Invitae), Labcorp
Classification: Uncertain significance. Last evaluated: 2025-06-17. Review status: criteria provided, single submitter. Criteria: Invitae Variant Classification Sherloc (09022015). Collection method: clinical testing. Allele origin: germline.
Comment: This sequence change replaces tryptophan, which is neutral and slightly polar, with cysteine, which is neutral and slightly polar, at codon 15 of the GLRX5 protein (p.Trp15Cys). This variant is not present in population databases (gnomAD no frequency). This variant has not been reported in the literature in individuals affected with GLRX5-related conditions. Experimental studies and prediction algorithms are not available or were not evaluated, and the functional significance of this variant is currently unknown. In summary, the available evidence is currently insufficient to determine the role of this variant in disease. Therefore, it has been classified as a Variant of Uncertain Significance.

NM_016417.3(GLRX5):c.45G>C (p.Trp15Cys)

Gene: GLRX5 (glutaredoxin 5; plus strand). Cytogenetic location: 14q32.13.
Variant type: single nucleotide variant.
Coding change: c.45G>C on transcript NM_016417.3 (MANE Select); coding-DNA position 45, G replaced by C.
Protein change: p.Trp15Cys; replaces tryptophan 15 with cysteine.
Molecular consequence: missense variant.
Genome position (GRCh38, 1-based): chr14:95,535,134, G>C. VCF-style: chr14-95535134-G-C. GRCh37 (hg19) VCF-style: chr14-96001471-G-C.
Other names: short protein forms W15C.
Identifiers: ClinVar variation 4764078 (VCV004764078.1).